The following is an entry in ClinVar:

ClinVar aggregate classification (germline): Uncertain significance (1 of 4 stars; one submission).

Conditions:
Cardiovascular phenotype. Identifiers: MedGen CN230736.

Submission:

Ambry Genetics
Classification: Uncertain significance for Cardiovascular phenotype. Last evaluated: 2021-09-20. Review status: criteria provided, single submitter. Criteria: Ambry Variant Classification Scheme 2023. Collection method: clinical testing. Allele origin: germline.
Comment: The c.429_431delGAA variant (also known as p.K143del) is located in coding exon 4 of the ANKRD1 gene. This variant results from an in-frame GAA deletion at nucleotide positions 429 to 431. This results in the in-frame deletion of a lysine at codon 143. This amino acid position is not well conserved in available vertebrate species. In addition, this alteration is predicted to be deleterious by in silico analysis (Choi Y et al. PLoS ONE. 2012; 7(10):e46688). Since supporting evidence is limited at this time, the clinical significance of this alteration remains unclear.

NM_014391.3(ANKRD1):c.429_431del (p.Lys143del)

Gene: ANKRD1 (ankyrin repeat domain 1; minus strand). Cytogenetic location: 10q23.31.
Variant type: Deletion.
Coding change: c.429_431del on transcript NM_014391.3 (MANE Select); coding-DNA positions 429 to 431, 3 bases deleted (GAA; older notation c.429_431delGAA).
Protein change: p.Lys143del; deletes lysine 143.
Molecular consequence: inframe deletion. On other transcripts: inframe indel (1).
Genome position (GRCh38, 1-based): chr10:90,918,887-90,918,889, TTC deleted on the plus strand (GAA on the coding strand, the reverse complement: ANKRD1 is on the minus strand); deleting any 3 consecutive bases within chr10:90,918,887-90,918,891 gives the same sequence; the c. name uses the placement nearest the transcript's 3' end. VCF-style (leftmost placement, unchanged base first): chr10-90918886-GTTC-G. GRCh37 (hg19) VCF-style: chr10-92678643-GTTC-G.
Other names: c.429_431delGAA (NM_014391.2); short protein forms K143del.
Identifiers: ClinVar variation 1739424 (VCV001739424.2), dbSNP rs2492960113, ClinGen allele CA2580082291.